The following is an entry in ClinVar:

ClinVar aggregate classification (germline): Uncertain significance (1 of 4 stars; one submission).

Conditions:
Hereditary cancer-predisposing syndrome. Also called: Tumor predisposition; Hereditary Cancer Syndrome; Hereditary neoplastic syndrome; Neoplastic Syndromes, Hereditary. Identifiers: Orphanet 140162, MedGen C0027672, MeSH D009386, MONDO:0015356.

Submission:

Ambry Genetics
Classification: Uncertain significance for Hereditary cancer-predisposing syndrome. Last evaluated: 2026-08-17. Review status: criteria provided, single submitter. Criteria: Ambry Variant Classification Scheme 2023. Collection method: clinical testing. Allele origin: germline.
Comment: The p.Y690H variant (also known as c.2068T>C), located in coding exon 4 of the MSH6 gene, results from a T to C substitution at nucleotide position 2068. The tyrosine at codon 690 is replaced by histidine, an amino acid with similar properties. This amino acid position is conserved. In addition, this alteration is predicted to be deleterious by in silico analysis. Based on the available evidence, the clinical significance of this variant remains unclear.

NM_000179.3(MSH6):c.2068T>C (p.Tyr690His)

Gene: MSH6 (mutS homolog 6; plus strand). Cytogenetic location: 2p16.3.
Variant type: single nucleotide variant.
Coding change: c.2068T>C on transcript NM_000179.3 (MANE Select); coding-DNA position 2068, T replaced by C.
Protein change: p.Tyr690His; replaces tyrosine 690 with histidine.
Molecular consequence: missense variant. On other transcripts: non-coding transcript variant (5), intron variant (2).
Genome position (GRCh38, 1-based): chr2:47,800,051, T>C. VCF-style: chr2-47800051-T-C. GRCh37 (hg19) VCF-style: chr2-48027190-T-C.
Other names: c.1678T>C, p.Tyr560His (NM_001281492.2); c.1162T>C, p.Tyr388His (NM_001281493.2, NM_001281494.2, NM_001406814.1 and 6 more transcripts); c.2164T>C, p.Tyr722His (NM_001406795.1, NM_001406802.1); c.2068T>C, p.Tyr690His (NM_001406796.1, NM_001406798.1, NM_001406800.1 and 3 more transcripts); c.1771T>C, p.Tyr591His (NM_001406797.1, NM_001406818.1, NM_001406819.1 and 10 more transcripts); c.1543T>C, p.Tyr515His (NM_001406799.1, NM_001406806.1, NM_001406807.1); c.1606+462T>C (NM_001406817.1); c.628-615T>C (NM_001407362.1); and 3 more; short protein forms Y591H, Y690H, Y692H, Y634H, Y722H, Y388H, Y515H, Y560H.
Identifiers: ClinVar variation 3398964 (VCV003398964.2).
Genomic context (GRCh38, chr2:47,800,051, plus strand): 5'-GGGTTGACACCAGGAGAGAAAAGTGAATTGGCCCTCTCTGCTCTAGGTGGTTGTGTCTTC[T>C]ACCTCAAAAAATGCCTTATTGATCAGGAGCTTTTATCAATGGCTAATTTTGAAGAATATA-3'
Protein context (NP_000170.1, residues 680-700): ALSALGGCVF[Tyr690His]LKKCLIDQEL